The following is an entry in ClinVar:

ClinVar aggregate classification (germline): Uncertain significance (1 of 4 stars; one submission).

Conditions:
Mucopolysaccharidosis, MPS-III-B (MPS3B). Also called: MPS IIIB (Sanfilippo Syndrome Type B); MUCOPOLYSACCHARIDOSIS, TYPE IIIB; Mucopolysaccharidosis type IIIB (Sanfilippo B); N-ACETYL-ALPHA-D-GLUCOSAMINIDASE DEFICIENCY; NAGLU DEFICIENCY; SANFILIPPO SYNDROME B. Identifiers: Orphanet 79270, MedGen C0086648, MONDO:0009656, OMIM 252920.
Charcot-Marie-Tooth disease axonal type 2V. Also called: CHARCOT-MARIE-TOOTH NEUROPATHY, TYPE 2V; CHARCOT-MARIE-TOOTH DISEASE, AXONAL, AUTOSOMAL DOMINANT, TYPE 2V. Identifiers: Orphanet 447964, MedGen C5569050, MONDO:0014665, OMIM 616491.

Submission:

Labcorp Genetics (formerly Invitae), Labcorp
Classification: Uncertain significance for Charcot-Marie-Tooth disease axonal type 2V; Mucopolysaccharidosis, MPS-III-B. Last evaluated: 2022-07-05. Review status: criteria provided, single submitter. Criteria: Invitae Variant Classification Sherloc (09022015). Collection method: clinical testing. Allele origin: germline.
Comment: In summary, the available evidence is currently insufficient to determine the role of this variant in disease. Therefore, it has been classified as a Variant of Uncertain Significance. Experimental studies and prediction algorithms are not available or were not evaluated, and the functional significance of this variant is currently unknown. ClinVar contains an entry for this variant (Variation ID: 1014683). This variant has been observed in individual(s) with Mucopolysaccharidosis type III (Invitae). In at least one individual the data is consistent with being in trans (on the opposite chromosome) from a pathogenic variant. This variant is not present in population databases (gnomAD no frequency). This variant, c.145_147del, results in the deletion of 1 amino acid(s) of the NAGLU protein (p.Ser49del), but otherwise preserves the integrity of the reading frame.

NM_000263.4(NAGLU):c.145_147del (p.Ser49del)

Genes: NAGLU (N-acetyl-alpha-glucosaminidase; plus strand), LOC130060903 (ATAC-STARR-seq lymphoblastoid silent region 8533; plus strand). Cytogenetic location: 17q21.2.
Variant type: Deletion.
Coding change: c.145_147del on transcript NM_000263.4 (MANE Select); coding-DNA positions 145 to 147, 3 bases deleted (TCC; older notation c.145_147delTCC).
Protein change: p.Ser49del; deletes serine 49.
Molecular consequence: inframe deletion.
Genome position (GRCh38, 1-based): chr17:42,536,417-42,536,419, TCC deleted; deleting any 3 consecutive bases within chr17:42,536,416-42,536,419 gives the same sequence; the c. name uses the placement nearest the transcript's 3' end. VCF-style (leftmost placement, unchanged base first): chr17-42536415-TCTC-T. GRCh37 (hg19) VCF-style: chr17-40688433-TCTC-T.
Other names: short protein forms S49del.
Identifiers: ClinVar variation 1014683 (VCV001014683.9), dbSNP rs2092906185, ClinGen allele CA983827601.